The following is an entry in ClinVar:

ClinVar aggregate classification (germline): Uncertain significance (1 of 4 stars; one submission).

Conditions:
Familial thoracic aortic aneurysm and aortic dissection (TAAD). Also called: Thoracic aortic aneurysms and dissections. Identifiers: Orphanet 91387, MedGen C4707243, MONDO:0019625.
Marfan syndrome (MFS). Also called: MARFAN SYNDROME, TYPE I; Marfan syndrome type 1; Marfan's syndrome; Marfan syndrome, classic; FBN1-Related Marfan Syndrome. Identifiers: Orphanet 284963, Orphanet 558, MedGen C0024796, MONDO:0007947, OMIM 154700.

Submission:

Labcorp Genetics (formerly Invitae), Labcorp
Classification: Uncertain significance for Marfan syndrome; Familial thoracic aortic aneurysm and aortic dissection. Last evaluated: 2021-12-19. Review status: criteria provided, single submitter. Criteria: Invitae Variant Classification Sherloc (09022015). Collection method: clinical testing. Allele origin: germline.
Comment: In summary, the available evidence is currently insufficient to determine the role of this variant in disease. Therefore, it has been classified as a Variant of Uncertain Significance. Advanced modeling of protein sequence and biophysical properties (such as structural, functional, and spatial information, amino acid conservation, physicochemical variation, residue mobility, and thermodynamic stability) performed at Invitae indicates that this missense variant is expected to disrupt FBN1 protein function. This variant has not been reported in the literature in individuals affected with FBN1-related conditions. This variant is not present in population databases (gnomAD no frequency). This sequence change replaces leucine, which is neutral and non-polar, with serine, which is neutral and polar, at codon 871 of the FBN1 protein (p.Leu871Ser).

NM_000138.5(FBN1):c.2612T>C (p.Leu871Ser)

Gene: FBN1 (fibrillin 1; minus strand). Cytogenetic location: 15q21.1.
Variant type: single nucleotide variant.
Coding change: c.2612T>C on transcript NM_000138.5 (MANE Select); coding-DNA position 2612, T replaced by C.
Protein change: p.Leu871Ser; replaces leucine 871 with serine.
Molecular consequence: missense variant.
Genome position (GRCh38, 1-based): chr15:48,495,188, A>G on the plus strand (T>C on the coding strand, the complement: FBN1 is on the minus strand). VCF-style: chr15-48495188-A-G. GRCh37 (hg19) VCF-style: chr15-48787385-A-G.
Other names: c.2612T>C, p.Leu871Ser (NM_001406716.1); short protein forms L871S.
Identifiers: ClinVar variation 2047575 (VCV002047575.4), dbSNP rs2505570936, ClinGen allele CA392332464.